The following is an entry in ClinVar:

ClinVar aggregate classification (germline): Likely benign (1 of 4 stars; one submission).

Conditions:
Neuronal ceroid lipofuscinosis 10 (CLN10). Also called: NEURONAL CEROID LIPOFUSCINOSIS DUE TO CATHEPSIN D DEFICIENCY; CTSD-Related Neuronal Ceroid-Lipofuscinosis. Identifiers: Orphanet 228337, MedGen C1864669, MONDO:0012414, OMIM 610127.

Allele frequency attached by ClinVar (database versions not stated): gnomAD below 0.00001 and 0.00023; 1000 Genomes Project 30x 0.00281; 1000 Genomes Project 0.00319.
gnomAD v4.1: 364 of 1,007,902 alleles (0.036%); highest among the groups gnomAD compares: South Asian, 0.45%; 8 homozygotes.

Submission:

Illumina Laboratory Services, Illumina
Classification: Likely benign for Neuronal ceroid lipofuscinosis 10. Last evaluated: 2018-01-13. Review status: criteria provided, single submitter. Criteria: ICSL Variant Classification Criteria 13 December 2019. Collection method: clinical testing. Allele origin: germline.
Comment: This variant was observed in the ICSL laboratory as part of a predisposition screen in an ostensibly healthy population. It had not been previously curated by ICSL or reported in the Human Gene Mutation Database (HGMD: prior to June 1st, 2018), and was therefore a candidate for classification through an automated scoring system. Utilizing variant allele frequency, disease prevalence and penetrance estimates, and inheritance mode, an automated score was calculated to assess if this variant is too frequent to cause the disease. Based on the score and internal cut-off values, a variant classified as likely benign is not then subjected to further curation. The score for this variant resulted in a classification of likely benign for this disease.

NM_001909.5(CTSD):c.*140G>T

Gene: CTSD (cathepsin D; minus strand). Cytogenetic location: 11p15.5.
Variant type: single nucleotide variant.
Coding change: c.*140G>T on transcript NM_001909.5 (MANE Select); 140 bases downstream of the stop codon, G replaced by T.
Molecular consequence: 3 prime UTR variant.
Genome position (GRCh38, 1-based): chr11:1,753,363, C>A on the plus strand (G>T on the coding strand, the complement: CTSD is on the minus strand). VCF-style: chr11-1753363-C-A. GRCh37 (hg19) VCF-style: chr11-1774593-C-A.
Identifiers: ClinVar variation 303829 (VCV000303829.6), dbSNP rs551607350, ClinGen allele CA10634245.